The following is an entry in ClinVar:

NM_001651.4(AQP5):c.335A>G (p.Asn112Ser)

Genes: AQP5 (aquaporin 5; plus strand), AQP5-AS1 (AQP5 and AQP2 antisense RNA 2; minus strand). Cytogenetic location: 12q13.12.
Variant type: single nucleotide variant.
Coding change: c.335A>G on transcript NM_001651.4 (MANE Select); coding-DNA position 335, A replaced by G.
Protein change: p.Asn112Ser; replaces asparagine 112 with serine.
Molecular consequence: missense variant.
Genome position (GRCh38, 1-based): chr12:49,962,352, A>G. VCF-style: chr12-49962352-A-G. GRCh37 (hg19) VCF-style: chr12-50356135-A-G.
Other names: c.335A>G (NM_001651.2); short protein forms N112S.
Identifiers: ClinVar variation 1474842 (VCV001474842.9), dbSNP rs755928749, ClinGen allele CA6559457.

ClinVar aggregate classification (germline): Uncertain significance. Review status: criteria provided, multiple submitters, no conflicts (2 of 4 stars). 2 submissions from 2 submitters: Uncertain significance (2). Last evaluated 2025-01-23.

Allele frequency attached by ClinVar (database versions not stated): gnomAD 0.00002; gnomAD exomes 0.00007 and 0.00009; TOPMed 0.00009; ExAC 0.00010.
gnomAD v4.1: 104 of 1,594,416 alleles (0.0065%); highest among the groups gnomAD compares: East Asian, 0.029%; no homozygotes.

Submissions (2):

Ambry Genetics
Classification: Uncertain significance. Last evaluated: 2025-01-23. Review status: criteria provided, single submitter. Criteria: Ambry Variant Classification Scheme 2023. Collection method: clinical testing. Allele origin: germline.

Labcorp Genetics (formerly Invitae), Labcorp
Classification: Uncertain significance. Last evaluated: 2023-09-01. Review status: criteria provided, single submitter. Criteria: Invitae Variant Classification Sherloc (09022015). Collection method: clinical testing. Allele origin: germline.
Comment: This sequence change replaces asparagine, which is neutral and polar, with serine, which is neutral and polar, at codon 112 of the AQP5 protein (p.Asn112Ser). This variant is present in population databases (rs755928749, gnomAD 0.04%). This variant has not been reported in the literature in individuals affected with AQP5-related conditions. ClinVar contains an entry for this variant (Variation ID: 1474842). Advanced modeling of protein sequence and biophysical properties (such as structural, functional, and spatial information, amino acid conservation, physicochemical variation, residue mobility, and thermodynamic stability) performed at Invitae indicates that this missense variant is not expected to disrupt AQP5 protein function. In summary, the available evidence is currently insufficient to determine the role of this variant in disease. Therefore, it has been classified as a Variant of Uncertain Significance.